The following is an entry in ClinVar:

NM_000059.4(BRCA2):c.8223del (p.Asn2742fs)

Gene: BRCA2 (BRCA2 DNA repair associated; plus strand). Cytogenetic location: 13q13.1.
Variant type: Deletion.
Coding change: c.8223del on transcript NM_000059.4 (MANE Select); coding-DNA position 8223, one base deleted (G; older notation c.8223delG).
Protein change: p.Asn2742fs; shifts the reading frame from asparagine 2742.
Molecular consequence: frameshift variant.
Genome position (GRCh38, 1-based): chr13:32,363,425, G deleted. VCF-style (leftmost placement, unchanged base first): chr13-32363424-AG-A. GRCh37 (hg19) VCF-style: chr13-32937561-AG-A.
Other names: c.8223delG (NM_000059.3); short protein forms N2742fs.
Identifiers: ClinVar variation 236913 (VCV000236913.7), dbSNP rs878853608, ClinGen allele CA10583139.
Genomic context (GRCh38, chr13:32,363,424, plus strand): 5'-TTACAGATGGGTGGTATGCTGTTAAGGCCCAGTTAGATCCTCCCCTCTTAGCTGTCTTAA[AG>A]AATGGCAGACTGACAGTTGGTCAGAAGATTATTCTTCATGGAGCAGAACTGGTGGGCTCT-3'

ClinVar aggregate classification (germline): Pathogenic. Review status: reviewed by expert panel (3 of 4 stars). 2 submissions from 2 submitters: Pathogenic (1). 1 of the submissions does not count toward it. Last evaluated 2017-12-15.

Conditions:
Hereditary breast ovarian cancer syndrome. Also called: Hereditary breast and ovarian cancer; Breast and ovarian cancer; BRCA1- and BRCA2-Associated Hereditary Breast and Ovarian Cancer; Hereditary breast and ovarian cancer syndrome; Hereditary breast and ovarian cancer syndrome (HBOC); Hereditary breast and/or ovarian cancer syndrome. Identifiers: Orphanet 145, MedGen C0677776, MeSH D061325, MONDO:0003582. Disease mechanism: loss of function.
Breast-ovarian cancer, familial, susceptibility to, 2 (BROVCA2). Also called: BRCA2 Hereditary Breast and Ovarian Cancer. Identifiers: Orphanet 145, MedGen C2675520, MONDO:0012933, OMIM 612555. Disease mechanism: loss of function.

Submissions (2):

Evidence-based Network for the Interpretation of Germline Mutant Alleles (ENIGMA)
Classification: Pathogenic for Breast-ovarian cancer, familial, susceptibility to, 2. Last evaluated: 2017-12-15. Review status: reviewed by expert panel. Criteria: ENIGMA BRCA1/2 Classification Criteria (2017-06-29). Collection method: curation. Allele origin: germline. Study: ENIGMA.
Comment: Variant allele predicted to encode a truncated non-functional protein.

Labcorp Genetics (formerly Invitae), Labcorp
Classification: Pathogenic for Hereditary breast ovarian cancer syndrome. Last evaluated: 2022-05-08. Review status: criteria provided, single submitter. Criteria: Invitae Variant Classification Sherloc (09022015). Collection method: clinical testing. Allele origin: germline. Not counted in ClinVar's aggregate classification.
Comment: For these reasons, this variant has been classified as Pathogenic. ClinVar contains an entry for this variant (Variation ID: 236913). This variant has not been reported in the literature in individuals affected with BRCA2-related conditions. This variant is not present in population databases (gnomAD no frequency). This sequence change creates a premature translational stop signal (p.Asn2742Metfs*4) in the BRCA2 gene. It is expected to result in an absent or disrupted protein product. Loss-of-function variants in BRCA2 are known to be pathogenic (PMID: 20104584).

Literature cited by the submitters: PubMed 20104584 (cited by Labcorp Genetics (formerly Invitae), Labcorp).